The following is an entry in ClinVar:

ClinVar aggregate classification (germline): Uncertain significance. Review status: criteria provided, multiple submitters, no conflicts (2 of 4 stars). 2 submissions from 2 submitters: Uncertain significance (2). Last evaluated 2023-10-29.

Conditions:
Inborn genetic diseases. Identifiers: MedGen C0950123, MeSH D030342.

Allele frequency attached by ClinVar (database versions not stated): ExAC 0.00001; gnomAD exomes 0.00002; TOPMed 0.00002; gnomAD 0.00005; 1000 Genomes Project 30x 0.00016; 1000 Genomes Project 0.00020.
gnomAD v4.1: 35 of 1,613,004 alleles (0.0022%); highest among the groups gnomAD compares: Non-Finnish European, 0.0028%; no homozygotes.

Submissions (2):

Labcorp Genetics (formerly Invitae), Labcorp
Classification: Uncertain significance. Last evaluated: 2023-10-29. Review status: criteria provided, single submitter. Criteria: Invitae Variant Classification Sherloc (09022015). Collection method: clinical testing. Allele origin: germline.
Comment: This sequence change replaces valine, which is neutral and non-polar, with isoleucine, which is neutral and non-polar, at codon 3278 of the ASPM protein (p.Val3278Ile). This variant is present in population databases (rs532630414, gnomAD 0.003%). This variant has not been reported in the literature in individuals affected with ASPM-related conditions. ClinVar contains an entry for this variant (Variation ID: 2229885). An algorithm developed to predict the effect of missense changes on protein structure and function (PolyPhen-2) suggests that this variant is likely to be disruptive. In summary, the available evidence is currently insufficient to determine the role of this variant in disease. Therefore, it has been classified as a Variant of Uncertain Significance.

Ambry Genetics
Classification: Uncertain significance for Inborn genetic diseases. Last evaluated: 2021-04-28. Review status: criteria provided, single submitter. Criteria: Ambry Variant Classification Scheme 2023. Collection method: clinical testing. Allele origin: germline.

NM_018136.5(ASPM):c.9832G>A (p.Val3278Ile)

Gene: ASPM (assembly factor for spindle microtubules; minus strand). Cytogenetic location: 1q31.3.
Variant type: single nucleotide variant.
Coding change: c.9832G>A on transcript NM_018136.5 (MANE Select); coding-DNA position 9832, G replaced by A.
Protein change: p.Val3278Ile; replaces valine 3278 with isoleucine.
Molecular consequence: missense variant.
Genome position (GRCh38, 1-based): chr1:197,090,082, C>T on the plus strand (G>A on the coding strand, the complement: ASPM is on the minus strand). VCF-style: chr1-197090082-C-T. GRCh37 (hg19) VCF-style: chr1-197059212-C-T.
Other names: c.5077G>A, p.Val1693Ile (NM_001206846.2); short protein forms V1693I, V3278I.
Identifiers: ClinVar variation 2229885 (VCV002229885.5), dbSNP rs532630414, ClinGen allele CA1308836.